The following is an entry in ClinVar:

ClinVar aggregate classification (germline): Uncertain significance (1 of 4 stars; one submission).

Allele frequency attached by ClinVar (database versions not stated): gnomAD exomes below 0.00001.
gnomAD v4.1: 1 of 1,594,722 alleles (0.000063%); highest among the groups gnomAD compares: Non-Finnish European, 0.000085%; no homozygotes.

Submission:

Labcorp Genetics (formerly Invitae), Labcorp
Classification: Uncertain significance. Last evaluated: 2023-08-17. Review status: criteria provided, single submitter. Criteria: Invitae Variant Classification Sherloc (09022015). Collection method: clinical testing. Allele origin: germline.
Comment: This sequence change replaces glutamic acid, which is acidic and polar, with glycine, which is neutral and non-polar, at codon 2006 of the MYO15A protein (p.Glu2006Gly). In summary, the available evidence is currently insufficient to determine the role of this variant in disease. Therefore, it has been classified as a Variant of Uncertain Significance. Algorithms developed to predict the effect of sequence changes on RNA splicing suggest that this variant may disrupt the consensus splice site. Advanced modeling of protein sequence and biophysical properties (such as structural, functional, and spatial information, amino acid conservation, physicochemical variation, residue mobility, and thermodynamic stability) performed at Invitae indicates that this missense variant is expected to disrupt MYO15A protein function. ClinVar contains an entry for this variant (Variation ID: 2034442). This variant has not been reported in the literature in individuals affected with MYO15A-related conditions. This variant is not present in population databases (gnomAD no frequency).

NM_016239.4(MYO15A):c.6017A>G (p.Glu2006Gly)

Gene: MYO15A (myosin XVA; plus strand). Cytogenetic location: 17p11.2.
Variant type: single nucleotide variant.
Coding change: c.6017A>G on transcript NM_016239.4 (MANE Select); coding-DNA position 6017, A replaced by G.
Protein change: p.Glu2006Gly; replaces glutamic acid 2006 with glycine.
Molecular consequence: missense variant.
Genome position (GRCh38, 1-based): chr17:18,143,767, A>G. VCF-style: chr17-18143767-A-G. GRCh37 (hg19) VCF-style: chr17-18047081-A-G.
Other names: short protein forms E2006G.
Identifiers: ClinVar variation 2034442 (VCV002034442.4), dbSNP rs2545265740, ClinGen allele CA398605471.